The following is an entry in ClinVar:

ClinVar aggregate classification (germline): Uncertain significance. Review status: criteria provided, multiple submitters, no conflicts (2 of 4 stars). 2 submissions from 2 submitters: Uncertain significance (2). Last evaluated 2025-10-28.

Conditions:
Cardiac arrhythmia. Also called: Arrhythmia; Cardiac rhythm disease. Identifiers: MedGen C0003811, MONDO:0007263, HP:0011675.
Long QT syndrome (LQTS). Identifiers: MedGen C0023976, MeSH D008133, MONDO:0002442. Disease mechanism: loss of function. Inheritance: Various modes of inheritance.

Allele frequency attached by ClinVar (database versions not stated): gnomAD 0.00001; 1000 Genomes Project 0.00020; ExAC 0.00001; 1000 Genomes Project 30x 0.00016.
gnomAD v4.1: 1 of 1,613,828 alleles (0.000062%); highest among the groups gnomAD compares: South Asian, 0.0011%; no homozygotes.

Submissions (2):

Color Diagnostics, LLC DBA Color Health
Classification: Uncertain significance for Cardiac arrhythmia. Last evaluated: 2025-10-28. Review status: criteria provided, single submitter. Criteria: ACMG Guidelines, 2015. Collection method: clinical testing. Allele origin: germline.
Comment: This missense variant replaces threonine with serine at codon 264 of the KCNQ1 protein. Computational prediction suggests that this variant may have deleterious impact on protein structure and function. To our knowledge, functional studies have not been reported for this variant. This variant has not been reported in individuals affected with KCNQ1-related disorders in the literature. This variant has been identified in 1/152370 chromosomes in the general population by the Genome Aggregation Database (gnomAD). The available evidence is insufficient to determine the role of this variant in disease conclusively. Therefore, this variant is classified as a Variant of Uncertain Significance.

Labcorp Genetics (formerly Invitae), Labcorp
Classification: Uncertain significance for Long QT syndrome. Last evaluated: 2022-02-04. Review status: criteria provided, single submitter. Criteria: Invitae Variant Classification Sherloc (09022015). Collection method: clinical testing. Allele origin: germline.
Comment: This sequence change replaces threonine, which is neutral and polar, with serine, which is neutral and polar, at codon 264 of the KCNQ1 protein (p.Thr264Ser). This variant is present in population databases (rs566907093, gnomAD 0.003%). This variant has not been reported in the literature in individuals affected with KCNQ1-related conditions. Algorithms developed to predict the effect of missense changes on protein structure and function (SIFT, PolyPhen-2, Align-GVGD) all suggest that this variant is likely to be disruptive. In summary, the available evidence is currently insufficient to determine the role of this variant in disease. Therefore, it has been classified as a Variant of Uncertain Significance.

NM_000218.3(KCNQ1):c.791C>G (p.Thr264Ser)

Gene: KCNQ1 (potassium voltage-gated channel subfamily Q member 1; plus strand). Cytogenetic location: 11p15.5.
Variant type: single nucleotide variant.
Coding change: c.791C>G on transcript NM_000218.3 (MANE Select); coding-DNA position 791, C replaced by G.
Protein change: p.Thr264Ser; replaces threonine 264 with serine.
Molecular consequence: missense variant.
Genome position (GRCh38, 1-based): chr11:2,572,856, C>G. VCF-style: chr11-2572856-C-G. GRCh37 (hg19) VCF-style: chr11-2594086-C-G.
Other names: c.791C>G, p.Thr264Ser (NM_001406836.1); c.521C>G, p.Thr174Ser (NM_001406837.1); c.410C>G, p.Thr137Ser (NM_181798.2); short protein forms T137S, T264S, T174S.
Identifiers: ClinVar variation 1420345 (VCV001420345.9), dbSNP rs566907093, ClinGen allele CA040719.